The following is an entry in ClinVar:

NM_001085487.3(MYSM1):c.1267T>C (p.Cys423Arg)

Gene: MYSM1 (Myb like, SWIRM and MPN domains 1; minus strand). Cytogenetic location: 1p32.1.
Variant type: single nucleotide variant.
Coding change: c.1267T>C on transcript NM_001085487.3 (MANE Select); coding-DNA position 1267, T replaced by C.
Protein change: p.Cys423Arg; replaces cysteine 423 with arginine.
Molecular consequence: missense variant.
Genome position (GRCh38, 1-based): chr1:58,677,049, A>G on the plus strand (T>C on the coding strand, the complement: MYSM1 is on the minus strand). VCF-style: chr1-58677049-A-G. GRCh37 (hg19) VCF-style: chr1-59142721-A-G.
Other names: c.1267T>C (NM_001085487.2); short protein forms C423R.
Identifiers: ClinVar variation 1980455 (VCV001980455.2), dbSNP rs756125704, ClinGen allele CA22869211.

ClinVar aggregate classification (germline): Uncertain significance. Review status: criteria provided, multiple submitters, no conflicts (2 of 4 stars). 2 submissions from 2 submitters: Uncertain significance (2). Last evaluated 2025-08-20.

Conditions:
Inborn genetic diseases. Identifiers: MedGen C0950123, MeSH D030342.

Allele frequency attached by ClinVar (database versions not stated): gnomAD 0.00004.
gnomAD v4.1: 17 of 1,601,802 alleles (0.0011%); highest among the groups gnomAD compares: Middle Eastern, 0.017%; no homozygotes.

Submissions (2):

Ambry Genetics
Classification: Uncertain significance for Inborn genetic diseases. Last evaluated: 2025-08-20. Review status: criteria provided, single submitter. Criteria: Ambry Variant Classification Scheme 2023. Collection method: clinical testing. Allele origin: germline.

Labcorp Genetics (formerly Invitae), Labcorp
Classification: Uncertain significance. Last evaluated: 2022-08-15. Review status: criteria provided, single submitter. Criteria: Invitae Variant Classification Sherloc (09022015). Collection method: clinical testing. Allele origin: germline.
Comment: This sequence change replaces cysteine, which is neutral and slightly polar, with arginine, which is basic and polar, at codon 423 of the MYSM1 protein (p.Cys423Arg). The frequency data for this variant in the population databases is considered unreliable, as metrics indicate poor data quality at this position in the gnomAD database. This variant has not been reported in the literature in individuals affected with MYSM1-related conditions. Algorithms developed to predict the effect of missense changes on protein structure and function output the following: SIFT: "Deleterious"; PolyPhen-2: "Benign"; Align-GVGD: "Class C15". The arginine amino acid residue is found in multiple mammalian species, which suggests that this missense change does not adversely affect protein function. In summary, the available evidence is currently insufficient to determine the role of this variant in disease. Therefore, it has been classified as a Variant of Uncertain Significance.